The following is an entry in ClinVar:

NM_002887.4(RARS1):c.1453-5C>T

Gene: RARS1 (arginyl-tRNA synthetase 1; plus strand). Cytogenetic location: 5q34.
Variant type: single nucleotide variant.
Coding change: c.1453-5C>T on transcript NM_002887.4 (MANE Select); 5 bases into the intron before coding-DNA position 1453, C replaced by T.
Molecular consequence: intron variant.
Genome position (GRCh38, 1-based): chr5:168,516,773, C>T. VCF-style: chr5-168516773-C-T. GRCh37 (hg19) VCF-style: chr5-167943778-C-T.
Identifiers: ClinVar variation 3151668 (VCV003151668.1), dbSNP rs747294864, ClinGen allele CA3549939.

ClinVar aggregate classification (germline): Uncertain significance (1 of 4 stars; one submission).

Conditions:
Inborn genetic diseases. Identifiers: MedGen C0950123, MeSH D030342.

Allele frequency attached by ClinVar (database versions not stated): gnomAD exomes below 0.00001; ExAC 0.00001.
gnomAD v4.1: 2 of 1,613,634 alleles (0.00012%); highest among the groups gnomAD compares: Non-Finnish European, 0.00017%; no homozygotes.

Submission:

Ambry Genetics
Classification: Uncertain significance for Inborn genetic diseases. Last evaluated: 2021-11-29. Review status: criteria provided, single submitter. Criteria: Ambry Variant Classification Scheme 2023. Collection method: clinical testing. Allele origin: germline.
Comment: The c.1453-5C>T intronic alteration consists of a C to T substitution 5 nucleotides before coding exon 13 in the RARS gene. Based on insufficient or conflicting evidence, the clinical significance of this alteration remains unclear.